The following is an entry in ClinVar:

NM_002294.3(LAMP2):c.397+8T>A

Gene: LAMP2 (lysosome associated membrane protein 2; minus strand). Cytogenetic location: Xq24.
Variant type: single nucleotide variant.
Coding change: c.397+8T>A on transcript NM_002294.3 (MANE Select); 8 bases into the intron after coding-DNA position 397, T replaced by A.
Molecular consequence: intron variant.
Genome position (GRCh38, 1-based): chrX:120,455,349, A>T on the plus strand (T>A on the coding strand, the complement: LAMP2 is on the minus strand). VCF-style: chrX-120455349-A-T. GRCh37 (hg19) VCF-style: chrX-119589204-A-T.
Other names: c.397+8T>A (NM_001122606.1, NM_013995.2).
Identifiers: ClinVar variation 1629707 (VCV001629707.14), dbSNP rs1257675921, ClinGen allele CA644575407.

ClinVar aggregate classification (germline): Likely benign. Review status: criteria provided, multiple submitters, no conflicts (2 of 4 stars). 2 submissions from 2 submitters: Likely benign (2). Last evaluated 2025-12-01.

Conditions:
Danon disease. Also called: PSEUDOGLYCOGENOSIS II; ANTOPOL DISEASE; GSD IIb; LYSOSOMAL GLYCOGEN STORAGE DISEASE WITHOUT ACID MALTASE DEFICIENCY; Glycogen Storage Disease Type IIb. Identifiers: Orphanet 34587, MedGen C0878677, MONDO:0010281, OMIM 300257.

Allele frequency attached by ClinVar (database versions not stated): gnomAD exomes 0.00001.
gnomAD v4.1: 7 of 1,165,408 alleles (0.0006%); highest among the groups gnomAD compares: Non-Finnish European, 0.00082%; no homozygotes.

Submissions (2):

CeGaT Center for Human Genetics Tuebingen
Classification: Likely benign. Last evaluated: 2025-12-01. Review status: criteria provided, single submitter. Criteria: CeGaT Center For Human Genetics Tuebingen Variant Classification Criteria Version 2. Collection method: clinical testing. Allele origin: germline. Affected: yes. Observed: 1 variant allele.
Comment: LAMP2: BP4, BS2

Labcorp Genetics (formerly Invitae), Labcorp
Classification: Likely benign for Danon disease. Last evaluated: 2025-09-04. Review status: criteria provided, single submitter. Criteria: Invitae Variant Classification Sherloc (09022015). Collection method: clinical testing. Allele origin: germline.